The following is an entry in ClinVar:

NM_007294.4(BRCA1):c.5467+482C>T

Gene: BRCA1 (BRCA1 DNA repair associated; minus strand). Cytogenetic location: 17q21.31.
Variant type: single nucleotide variant.
Coding change: c.5467+482C>T on transcript NM_007294.4 (MANE Select); 482 bases into the intron after coding-DNA position 5467, C replaced by T.
Molecular consequence: intron variant.
Genome position (GRCh38, 1-based): chr17:43,047,161, G>A on the plus strand (C>T on the coding strand, the complement: BRCA1 is on the minus strand). VCF-style: chr17-43047161-G-A. GRCh37 (hg19) VCF-style: chr17-41199178-G-A.
Other names: IVS 23+482C>T; c.5131+482C>T (NM_001407954.1, NM_001407952.1, NM_001407950.1 and 3 more transcripts); c.1891+482C>T (NM_001408504.1, NM_001408503.1, NM_001408502.1); c.2014+482C>T (NM_001408463.1, NM_001408462.1, NM_001408458.1 and 7 more transcripts); c.5320+482C>T (NM_001407847.1, NM_001407841.1, NM_001407838.1 and 12 more transcripts); c.5323+482C>T (NM_001407740.1, NM_001407739.1, NM_001407741.1 and 18 more transcripts); c.1894+482C>T (NM_001408499.1, NM_001408498.1, NM_001408501.1 and 3 more transcripts); c.5200+482C>T (NM_001407933.1, NM_001407927.1, NM_001407931.1 and 4 more transcripts); and 84 more.
Identifiers: ClinVar variation 209242 (VCV000209242.2), dbSNP rs8068463, ClinGen allele CA276214.
Genomic context (GRCh38, chr17:43,047,161, plus strand): 5'-CTTTCTTTTTTCTTTTTGAGACACGGTCTCGCTCTGTCGCCCAGGCTGGAGTACAGTGGT[G>A]TGATCGTGGCTCACTGAAGCATCAACCTCCTGAGCTCAAGTGATCCTCCCACCTCAGCTT-3'

ClinVar aggregate classification (germline): Benign (3 of 4 stars; one submission).

Conditions:
Breast-ovarian cancer, familial, susceptibility to, 1 (BROVCA1). Also called: BRCA1 Hereditary Breast and Ovarian Cancer; OVARIAN CANCER, SUSCEPTIBILITY TO. Identifiers: Orphanet 145, MedGen C2676676, MONDO:0011450, OMIM 604370. Disease mechanism: loss of function.

Allele frequency attached by ClinVar (database versions not stated): gnomAD 0.02392 and 0.02563; TOPMed 0.02836; 1000 Genomes Project 0.02995; 1000 Genomes Project 30x 0.03248.
gnomAD v4.1: 3,615 of 152,098 alleles (2.4%); highest among the groups gnomAD compares: African/African-American, 8.1%; 157 homozygotes.

Submission:

Evidence-based Network for the Interpretation of Germline Mutant Alleles (ENIGMA)
Classification: Benign for Breast-ovarian cancer, familial 1. Last evaluated: 2015-01-12. Review status: reviewed by expert panel. Criteria: ENIGMA BRCA1/2 Classification Criteria (2015). Collection method: curation. Allele origin: germline.
Comment: Class 1 not pathogenic based on frequency >1% in an outbred sampleset. Frequency 0.1098 (African), derived from 1000 genomes (2012-04-30).